The following is an entry in ClinVar:

NM_002880.4(RAF1):c.1649A>G (p.His550Arg)

Gene: RAF1 (Raf-1 proto-oncogene, serine/threonine kinase; minus strand). Cytogenetic location: 3p25.2.
Variant type: single nucleotide variant.
Coding change: c.1649A>G on transcript NM_002880.4 (MANE Select); coding-DNA position 1649, A replaced by G.
Protein change: p.His550Arg; replaces histidine 550 with arginine.
Molecular consequence: missense variant. On other transcripts: non-coding transcript variant (3).
Genome position (GRCh38, 1-based): chr3:12,585,141, T>C on the plus strand (A>G on the coding strand, the complement: RAF1 is on the minus strand). VCF-style: chr3-12585141-T-C. GRCh37 (hg19) VCF-style: chr3-12626640-T-C.
Other names: c.1709A>G, p.His570Arg (NM_001354689.3); c.1649A>G, p.His550Arg (NM_001354690.3); c.1406A>G, p.His469Arg (NM_001354691.3, NM_001354692.3); c.1550A>G, p.His517Arg (NM_001354693.3); c.1466A>G, p.His489Arg (NM_001354694.3); c.1307A>G, p.His436Arg (NM_001354695.3); short protein forms H436R, H469R, H489R, H517R, H550R, H570R.
Identifiers: ClinVar variation 5019899 (VCV005019899.2).
Genomic context (GRCh38, chr3:12,585,141, plus strand): 5'-GCTCCCACGAGTTGGGTCCTTTCGCACCAGCACAGACTTACCTGATCTCGGTTGTTGATG[T>C]GAGAATAAGGAAGCTCCCCCGTCATCAGTTCATACAATACGATGCCATAGGAGTAGACAT-3'
Protein context (NP_002871.1, residues 540-560): ELMTGELPYS[His550Arg]INNRDQIIFM

ClinVar aggregate classification (germline): Uncertain significance (1 of 4 stars; one submission).

Conditions:
Noonan syndrome 5 (NS5). Also called: RAF1-Related Noonan Syndrome. Identifiers: Orphanet 648, MedGen C1969057, MONDO:0012690, OMIM 611553. Disease mechanism: gain of function.
LEOPARD syndrome 2 (LPRD2). Also called: RAF1-Related LEOPARD Syndrome. Identifiers: Orphanet 500, MedGen C1969056, MONDO:0012691, OMIM 611554.
Dilated cardiomyopathy 1NN. Identifiers: Orphanet 154, MedGen C4014656, MONDO:0014396, OMIM 615916.

Submission:

Juno Genomics, Hangzhou Juno Genomics, Inc
Classification: Uncertain significance for Dilated cardiomyopathy 1NN; LEOPARD syndrome 2; Noonan syndrome 5. Review status: criteria provided, single submitter. Criteria: ACMG Guidelines, 2015. Collection method: clinical testing. Allele origin: germline.
Comment: Absent from controls (or at extremely low frequency if recessive) in Genome Aggregation Database.